The following is an entry in ClinVar:

NM_022773.4(LMF1):c.731C>T (p.Thr244Ile)

Gene: LMF1 (lipase maturation factor 1; minus strand). Cytogenetic location: 16p13.3.
Variant type: single nucleotide variant.
Coding change: c.731C>T on transcript NM_022773.4 (MANE Select); coding-DNA position 731, C replaced by T.
Protein change: p.Thr244Ile; replaces threonine 244 with isoleucine.
Molecular consequence: missense variant. On other transcripts: non-coding transcript variant (1).
Genome position (GRCh38, 1-based): chr16:879,736, G>A on the plus strand (C>T on the coding strand, the complement: LMF1 is on the minus strand). VCF-style: chr16-879736-G-A. GRCh37 (hg19) VCF-style: chr16-929736-G-A.
Other names: c.80C>T, p.Thr27Ile (NM_001352017.2, NM_001352021.2); c.332C>T, p.Thr111Ile (NM_001352018.2); c.404C>T, p.Thr135Ile (NM_001352019.2); c.731C>T, p.Thr244Ile (NM_001352020.1); short protein forms T111I, T135I, T244I, T27I.
Identifiers: ClinVar variation 4859226 (VCV004859226.1).

ClinVar aggregate classification (germline): Uncertain significance (1 of 4 stars; one submission).

Conditions:
Cardiovascular phenotype. Identifiers: MedGen CN230736.

gnomAD v4.1: 4 of 1,582,136 alleles (0.00025%); highest among the groups gnomAD compares: South Asian, 0.0035%; no homozygotes.

Submission:

Ambry Genetics
Classification: Uncertain significance for Cardiovascular phenotype. Last evaluated: 2026-04-02. Review status: criteria provided, single submitter. Criteria: Ambry Variant Classification Scheme 2023. Collection method: clinical testing. Allele origin: germline.
Comment: The p.T244I variant (also known as c.731C>T), located in coding exon 6 of the LMF1 gene, results from a C to T substitution at nucleotide position 731. The threonine at codon 244 is replaced by isoleucine, an amino acid with similar properties. This amino acid position is conserved. In addition, this alteration is predicted to be deleterious by in silico analysis. Based on the available evidence, the clinical significance of this variant remains unclear.